The following is an entry in ClinVar:

NM_000218.3(KCNQ1):c.435C>T (p.Ile145=)

Gene: KCNQ1 (potassium voltage-gated channel subfamily Q member 1; plus strand). Cytogenetic location: 11p15.5.
Variant type: single nucleotide variant.
Coding change: c.435C>T on transcript NM_000218.3 (MANE Select); coding-DNA position 435, C replaced by T.
Protein change: p.Ile145=; no amino-acid change (isoleucine 145 retained).
Molecular consequence: synonymous variant.
Genome position (GRCh38, 1-based): chr11:2,527,976, C>T. VCF-style: chr11-2527976-C-T. GRCh37 (hg19) VCF-style: chr11-2549206-C-T.
Other names: p.Ile145=; c.435C>T, p.Ile145= (NM_001406836.1, NM_001406838.1); c.165C>T, p.Ile55= (NM_001406837.1); c.54C>T, p.Ile18= (NM_181798.2).
Identifiers: ClinVar variation 163734 (VCV000163734.39), dbSNP rs1800170, ClinGen allele CA007082.
Genomic context (GRCh38, chr11:2,527,976, plus strand): 5'-CCTGTCTTGCAGCTTCCTCATCGTCCTGGTCTGCCTCATCTTCAGCGTGCTGTCCACCAT[C>T]GAGCAGTATGCCGCCCTGGCCACGGGGACTCTCTTCTGGATGGTACGTAGCATCTGAGGG-3'
Protein context (NP_000209.2, residues 135-155): VCLIFSVLST[Ile145=]EQYAALATGT

ClinVar aggregate classification (germline): Benign/Likely benign. Review status: criteria provided, multiple submitters, no conflicts (2 of 4 stars). 17 submissions from 14 submitters: Benign (10); Likely benign (5). 2 of the submissions do not count toward it. Last evaluated 2026-02-03.

Conditions:
Cardiovascular phenotype. Identifiers: MedGen CN230736.
Long QT syndrome (LQTS). Identifiers: MedGen C0023976, MeSH D008133, MONDO:0002442. Disease mechanism: loss of function. Inheritance: Various modes of inheritance.
Atrial fibrillation, familial, 3 (ATFB3). Identifiers: MedGen C1837014, MONDO:0011857, OMIM 607554.
Short QT syndrome type 2. Identifiers: Orphanet 51083, MedGen C1865019, MONDO:0012313, OMIM 609621.
Cardiac arrhythmia. Also called: Cardiac rhythm disease; Arrhythmia. Identifiers: MedGen C0003811, MONDO:0007263, HP:0011675.
Jervell and Lange-Nielsen syndrome 1 (JLNS1). Also called: CARDIOAUDITORY SYNDROME OF JERVELL AND LANGE-NIELSEN; DEAFNESS, CONGENITAL, AND FUNCTIONAL HEART DISEASE; PROLONGED QT INTERVAL IN EKG AND SUDDEN DEATH; SURDO-CARDIAC SYNDROME. Identifiers: Orphanet 768, Orphanet 90647, MedGen C4551509, MONDO:0024540, OMIM 220400.
Long QT syndrome 1 (LQT1). Identifiers: Orphanet 101016, Orphanet 768, MedGen C4551647, MONDO:0100316, OMIM 192500, MONDO:0008646.

Allele frequency attached by ClinVar (database versions not stated): ESP Exome Variant Server 0.00008; gnomAD 0.00158 and 0.00212; TOPMed 0.00256; ExAC 0.00434; gnomAD exomes 0.00474; 1000 Genomes Project 30x 0.00812; 1000 Genomes Project 0.00899.
gnomAD v4.1: 2,885 of 1,614,102 alleles (0.18%); highest among the groups gnomAD compares: East Asian, 5%; 63 homozygotes.

Submissions (17):

Labcorp Genetics (formerly Invitae), Labcorp
Classification: Benign for Long QT syndrome. Last evaluated: 2026-02-03. Review status: criteria provided, single submitter. Criteria: Invitae Variant Classification Sherloc (09022015). Collection method: clinical testing. Allele origin: germline.

Molecular Diagnostic Laboratory for Inherited Cardiovascular Disease, Montreal Heart Institute
Classification: Benign. Last evaluated: 2025-04-09. Review status: criteria provided, single submitter. Criteria: ACMG Guidelines, 2015. Collection method: clinical testing. Allele origin: germline. Affected: no.

Blueprint Genetics
Classification: Likely benign. Last evaluated: 2024-11-27. Review status: criteria provided, single submitter. Criteria: ACMG Guidelines, 2015. Collection method: clinical testing. Allele origin: germline.

Mayo Clinic Laboratories, Mayo Clinic
Classification: Benign. Last evaluated: 2024-05-14. Review status: criteria provided, single submitter. Criteria: ACMG Guidelines, 2015. Collection method: clinical testing. Allele origin: germline. Observed: 8 variant alleles.
Comment: BA1

All of Us Research Program, National Institutes of Health
Classification: Benign for Long QT syndrome. Last evaluated: 2024-02-05. Review status: criteria provided, single submitter. Criteria: ACMG Guidelines, 2015. Collection method: clinical testing. Allele origin: germline. Inheritance: Autosomal dominant inheritance. Observed: 336 variant alleles, 330 heterozygotes, 6 homozygotes.
Comment: This study involves interpretation of variants in research participants for the purpose of population health screening. Participant phenotype was not available at the time of variant classification. Additional details can be found in publication PMID: 35346344, PMCID: PMC8962531

Women's Health and Genetics/Laboratory Corporation of America, LabCorp
Classification: Benign. Last evaluated: 2021-07-26. Review status: criteria provided, single submitter. Criteria: LabCorp Variant Classification Summary - May 2015. Collection method: clinical testing. Allele origin: germline.

Athena Diagnostics
Classification: Benign. Last evaluated: 2019-05-15. Review status: criteria provided, single submitter. Criteria: Athena Diagnostics Criteria. Collection method: clinical testing. Allele origin: germline.

Color Diagnostics, LLC DBA Color Health
Classification: Benign for Arrhythmia. Last evaluated: 2018-06-04. Review status: criteria provided, single submitter. Criteria: ACMG Guidelines, 2015. Collection method: clinical testing. Allele origin: germline.

Illumina Laboratory Services, Illumina
Classification: Likely benign for Jervell and Lange-Nielsen syndrome 1. Last evaluated: 2017-04-27. Review status: criteria provided, single submitter. Criteria: ICSL Variant Classification Criteria 13 December 2019. Collection method: clinical testing. Allele origin: germline.
Comment: This variant was observed as part of a predisposition screen in an ostensibly healthy population. A literature search was performed for the gene, cDNA change, and amino acid change (where applicable). No publications were found based on this search. Allele frequency data from public databases allowed determination this variant is unlikely to cause disease. Therefore, this variant is classified as likely benign.

Illumina Laboratory Services, Illumina
Classification: Likely benign for Atrial fibrillation, familial, 3. Last evaluated: 2017-04-27. Review status: criteria provided, single submitter. Criteria: ICSL Variant Classification Criteria 13 December 2019. Collection method: clinical testing. Allele origin: germline.
Comment: the same text as in the submission from Illumina Laboratory Services, Illumina above.

Illumina Laboratory Services, Illumina
Classification: Likely benign for Long QT syndrome 1. Last evaluated: 2017-04-27. Review status: criteria provided, single submitter. Criteria: ICSL Variant Classification Criteria 13 December 2019. Collection method: clinical testing. Allele origin: germline.
Comment: This variant was observed as part of a predisposition screen in an ostensibly healthy population. A literature search was performed for the gene, cDNA change, and amino acid change (where applicable). Publications were found based on this search. The evidence from the literature, in combination with allele frequency data from public databases where available, was sufficient to determine this variant is unlikely to cause disease. Therefore, this variant is classified as likely benign.

Illumina Laboratory Services, Illumina
Classification: Likely benign for Short QT syndrome type 2. Last evaluated: 2017-04-27. Review status: criteria provided, single submitter. Criteria: ICSL Variant Classification Criteria 13 December 2019. Collection method: clinical testing. Allele origin: germline.
Comment: the same text as in the submission from Illumina Laboratory Services, Illumina above.

Ambry Genetics
Classification: Benign for Cardiovascular phenotype. Last evaluated: 2015-04-21. Review status: criteria provided, single submitter. Criteria: Ambry Variant Classification Scheme 2023. Collection method: clinical testing. Allele origin: germline.

GeneDx
Classification: Benign. Last evaluated: 2015-03-03. Review status: criteria provided, single submitter. Criteria: GeneDx Variant Classification Process June 2021. Collection method: clinical testing. Allele origin: germline. Affected: yes.

Laboratory for Molecular Medicine, Mass General Brigham Personalized Medicine
Classification: Benign. Last evaluated: 2012-05-07. Review status: criteria provided, single submitter. Criteria: LMM Criteria. Collection method: clinical testing. Allele origin: germline. Observed: 7 variant alleles.
Comment: "Ile145Ile in Exon 02 of KCNQ1: This variant is not expected to have clinical si gnificance because it does not alter an amino acid residue, is not located withi n the splice consensus sequence, and has been identified in 4.2% (5/120) of chro mosomes from a population in the dbSNP database (jects/SNP; rs1800170)."

Clinical Genetics, Academic Medical Center
Classification: Benign. Review status: no assertion criteria provided. Collection method: clinical testing. Allele origin: germline. Affected: yes. Study: VKGL Data-share Consensus. Not counted in ClinVar's aggregate classification.

Joint Genome Diagnostic Labs from Nijmegen and Maastricht, Radboudumc and MUMC+
Classification: Benign. Review status: no assertion criteria provided. Collection method: clinical testing. Allele origin: germline. Affected: yes. Study: VKGL Data-share Consensus. Not counted in ClinVar's aggregate classification.

Literature cited by the submitters: PubMed 15192825 (cited by Illumina Laboratory Services, Illumina).